The following is an entry in ClinVar:

ClinVar aggregate classification (germline): Uncertain significance (1 of 4 stars; one submission).

Conditions:
Loeys-Dietz syndrome 2 (LDS2). Also called: TGFBR2-Related Loeys-Dietz Syndrome; Marfan syndrome, type 2 (formerly); Marfan Syndrome type 2; Marfan like connective tissue disorder; MFS 2; AORTIC ANEURYSM, FAMILIAL THORACIC 3. Identifiers: Orphanet 284973, Orphanet 558, MedGen C2674574, MONDO:0012427, OMIM 610168.

Allele frequency attached by ClinVar (database versions not stated): gnomAD exomes below 0.00001.
gnomAD v4.1: 1 of 1,613,950 alleles (0.000062%); highest among the groups gnomAD compares: Non-Finnish European, 0.000085%; no homozygotes.

Submission:

Labcorp Genetics (formerly Invitae), Labcorp
Classification: Uncertain significance for Loeys-Dietz syndrome 2. Last evaluated: 2023-11-13. Review status: criteria provided, single submitter. Criteria: Invitae Variant Classification Sherloc (09022015). Collection method: clinical testing. Allele origin: germline.
Comment: This sequence change replaces glycine, which is neutral and non-polar, with glutamic acid, which is acidic and polar, at codon 128 of the TMPO protein (p.Gly128Glu). This variant is present in population databases (no rsID available, gnomAD 0.0009%). This variant has not been reported in the literature in individuals affected with TMPO-related conditions. An algorithm developed to predict the effect of missense changes on protein structure and function (PolyPhen-2) suggests that this variant is likely to be disruptive. In summary, the available evidence is currently insufficient to determine the role of this variant in disease. Therefore, it has been classified as a Variant of Uncertain Significance.

NM_001032283.3(TMPO):c.383G>A (p.Gly128Glu)

Gene: TMPO (thymopoietin; plus strand). Cytogenetic location: 12q23.1.
Variant type: single nucleotide variant.
Coding change: c.383G>A on transcript NM_001032283.3 (MANE Select); coding-DNA position 383, G replaced by A.
Protein change: p.Gly128Glu; replaces glycine 128 with glutamic acid.
Molecular consequence: missense variant.
Genome position (GRCh38, 1-based): chr12:98,527,989, G>A. VCF-style: chr12-98527989-G-A. GRCh37 (hg19) VCF-style: chr12-98921767-G-A.
Other names: c.383G>A, p.Gly128Glu (NM_001032284.3, NM_001307975.2, NM_003276.2); short protein forms G128E.
Identifiers: ClinVar variation 2784559 (VCV002784559.3), dbSNP rs886049910, ClinGen allele CA10642656.